The following is an entry in ClinVar:

ClinVar aggregate classification (germline): Uncertain significance (1 of 4 stars; one submission).

Submission:

GeneDx
Classification: Uncertain significance. Last evaluated: 2023-12-31. Review status: criteria provided, single submitter. Criteria: GeneDx Variant Classification Process June 2021. Collection method: clinical testing. Allele origin: germline. Affected: yes.
Comment: Not observed at significant frequency in large population cohorts (gnomAD); In silico analysis supports that this missense variant has a deleterious effect on protein structure/function; Has not been previously published as pathogenic or benign to our knowledge

NM_001961.4(EEF2):c.2390C>T (p.Thr797Ile)

Gene: EEF2 (eukaryotic translation elongation factor 2; minus strand). Cytogenetic location: 19p13.3.
Variant type: single nucleotide variant.
Coding change: c.2390C>T on transcript NM_001961.4 (MANE Select); coding-DNA position 2390, C replaced by T.
Protein change: p.Thr797Ile; replaces threonine 797 with isoleucine.
Molecular consequence: missense variant.
Genome position (GRCh38, 1-based): chr19:3,976,741, G>A on the plus strand (C>T on the coding strand, the complement: EEF2 is on the minus strand). VCF-style: chr19-3976741-G-A. GRCh37 (hg19) VCF-style: chr19-3976739-G-A.
Other names: short protein forms T797I.
Identifiers: ClinVar variation 3367415 (VCV003367415.1).